The following is an entry in ClinVar:

NM_001177693.2(ARHGEF28):c.4048T>G (p.Leu1350Val)

Gene: ARHGEF28 (Rho guanine nucleotide exchange factor 28; plus strand). Cytogenetic location: 5q13.2.
Variant type: single nucleotide variant.
Coding change: c.4048T>G on transcript NM_001177693.2 (MANE Select); coding-DNA position 4048, T replaced by G.
Protein change: p.Leu1350Val; replaces leucine 1350 with valine.
Molecular consequence: missense variant.
Genome position (GRCh38, 1-based): chr5:73,901,258, T>G. VCF-style: chr5-73901258-T-G. GRCh37 (hg19) VCF-style: chr5-73197083-T-G.
Other names: c.4048T>G, p.Leu1350Val (NM_001080479.3, NM_001388078.1); c.3109T>G, p.Leu1037Val (NM_001244364.2); c.3754T>G, p.Leu1252Val (NM_001388076.1); short protein forms L1037V, L1252V, L1350V.
Identifiers: ClinVar variation 2634754 (VCV002634754.2), dbSNP rs772113332, ClinGen allele CA3305232.

ClinVar aggregate classification (germline): Uncertain significance. Review status: criteria provided, multiple submitters, no conflicts (2 of 4 stars). 2 submissions from 2 submitters: Uncertain significance (2). Last evaluated 2024-05-02.

Conditions:
ARHGEF28-related disorder. Also called: ARHGEF28-related condition.

Allele frequency attached by ClinVar (database versions not stated): gnomAD exomes 0.00001; ExAC 0.00003; gnomAD 0.00012; TOPMed 0.00012; 1000 Genomes Project 30x 0.00031.
gnomAD v4.1: 40 of 1,613,392 alleles (0.0025%); highest among the groups gnomAD compares: African/African-American, 0.041%; no homozygotes.

Submissions (2):

Ambry Genetics
Classification: Uncertain significance. Last evaluated: 2024-05-02. Review status: criteria provided, single submitter. Criteria: Ambry Variant Classification Scheme 2023. Collection method: clinical testing. Allele origin: germline.

PreventionGenetics, part of Exact Sciences
Classification: Uncertain significance for ARHGEF28-related condition. Last evaluated: 2023-07-18. Review status: criteria provided, single submitter. Criteria: ACMG Guidelines, 2015. Collection method: clinical testing. Allele origin: germline.
Comment: The ARHGEF28 c.4048T>G variant is predicted to result in the amino acid substitution p.Leu1350Val. To our knowledge, this variant has not been reported in the literature. This variant is reported in 0.050% of alleles in individuals of African descent in gnomAD, which is likely too frequent to be an unreported primary cause of disease. Although we suspect that this variant may be benign, at this time, the clinical significance of this variant is uncertain due to the absence of conclusive functional and genetic evidence.